The following is an entry in ClinVar:

ClinVar aggregate classification (germline): Uncertain significance. Review status: reviewed by expert panel (3 of 4 stars). 2 submissions from 2 submitters: Uncertain significance (1). 1 of the submissions does not count toward it. Last evaluated 2026-04-07.

Conditions:
von Willebrand disease type 2 (VWD2). Also called: VON WILLEBRAND DISEASE, TYPE 2A/IIE; VON WILLEBRAND DISEASE, TYPE 2CB; VON WILLEBRAND DISEASE, TYPE II; VWD, TYPE 2. Identifiers: Orphanet 166081, Orphanet 903, MedGen C1264040, MONDO:0013304, OMIM 613554.
Von Willebrand disease type 2A. Identifiers: Orphanet 166084, MedGen C1282968, MONDO:0015628. Inheritance: Autosomal recessive or autosomal dominant.

Submissions (2):

ClinGen von Willebrand Disease Variant Curation Expert Panel, ClinGen
Classification: Uncertain significance for Von Willebrand disease type 2A. Last evaluated: 2026-04-07. Review status: reviewed by expert panel. Criteria: ClinGen VWD 2A B M Rules. Collection method: curation. Allele origin: germline. Inheritance: Autosomal dominant inheritance.
Comment: The c.4970T>C variant in VWF is a missense variant predicted to cause substitution of Leucine by Proline at amino acid 1657 (p.Leu1657Pro). At least 1 patient with this variant displayed excessive mucocutaneous bleeding as well as laboratory phenotypes of low activity/VWF:Ag ratio (0.22), and loss of high molecular weight multimers, which together are highly specific for VWD type 2A (PP4_moderate, PMID: 35452508). The computational predictor REVEL gives a score of 0.728, which is above the ClinGen VWD VCEP threshold of >0.644 and predicts a damaging effect on VWF function (PP3). This variant is absent from gnomAD v4.1 (PM2_Supporting). In summary, this variant meets the criteria to be classified as VUS for autosomal dominant von Willebrand disease type 2A based on the ACMG/AMP criteria applied, as specified by the ClinGen VWD VCEP: PP4_Moderate, PP3 and PM2_Supporting (VCEP specifications version 1.0.0).

Angelo Bianchi Bonomi Hemophilia and Thrombosis Center, Fondazione IRCCS Ca Granda Ospedale Maggiore Policlinico
Classification: Likely pathogenic for von Willebrand disease type 2. Last evaluated: 2022-04-26. Review status: no assertion criteria provided. Collection method: clinical testing. Allele origin: germline. Affected: yes. Not counted in ClinVar's aggregate classification.

NM_000552.5(VWF):c.4970T>C (p.Leu1657Pro)

Gene: VWF (von Willebrand factor; minus strand). Cytogenetic location: 12p13.31.
Variant type: single nucleotide variant.
Coding change: c.4970T>C on transcript NM_000552.5 (MANE Select); coding-DNA position 4970, T replaced by C.
Protein change: p.Leu1657Pro; replaces leucine 1657 with proline.
Molecular consequence: missense variant.
Genome position (GRCh38, 1-based): chr12:6,018,448, A>G on the plus strand (T>C on the coding strand, the complement: VWF is on the minus strand). VCF-style: chr12-6018448-A-G. GRCh37 (hg19) VCF-style: chr12-6127614-A-G.
Other names: NM_000552.5(VWF):c.4970T>C; p.Leu1657Pro; short protein forms L1657P.
Identifiers: ClinVar variation 1684030 (VCV001684030.2), dbSNP rs61750593, ClinGen allele CA383498585.